The following is an entry in ClinVar:

NM_020937.4(FANCM):c.1801A>C (p.Ser601Arg)

Gene: FANCM (FA complementation group M; plus strand). Cytogenetic location: 14q21.2.
Variant type: single nucleotide variant.
Coding change: c.1801A>C on transcript NM_020937.4 (MANE Select); coding-DNA position 1801, A replaced by C.
Protein change: p.Ser601Arg; replaces serine 601 with arginine.
Molecular consequence: missense variant.
Genome position (GRCh38, 1-based): chr14:45,166,962, A>C. VCF-style: chr14-45166962-A-C. GRCh37 (hg19) VCF-style: chr14-45636165-A-C.
Other names: c.1723A>C, p.Ser575Arg (NM_001308133.2); c.1801A>C, p.Ser601Arg (NM_001308134.2); short protein forms S601R, S575R.
Identifiers: ClinVar variation 4022767 (VCV004022767.1).

ClinVar aggregate classification (germline): Uncertain significance (1 of 4 stars; one submission).

Conditions:
Inborn genetic diseases. Identifiers: MedGen C0950123, MeSH D030342.

Submission:

Ambry Genetics
Classification: Uncertain significance for Inborn genetic diseases. Last evaluated: 2025-05-09. Review status: criteria provided, single submitter. Criteria: Ambry Variant Classification Scheme 2023. Collection method: clinical testing. Allele origin: germline.
Comment: The p.S601R variant (also known as c.1801A>C), located in coding exon 11 of the FANCM gene, results from an A to C substitution at nucleotide position 1801. The serine at codon 601 is replaced by arginine, an amino acid with dissimilar properties. This amino acid position is conserved. In addition, the in silico prediction for this alteration is inconclusive. Based on the available evidence, the clinical significance of this variant remains unclear.